The following is an entry in ClinVar:

ClinVar aggregate classification (germline): Likely pathogenic (1 of 4 stars; one submission).

Conditions:
Microcephaly, normal intelligence and immunodeficiency (NBS). Also called: Nijmegen breakage syndrome; Microcephaly with normal intelligence immunodeficiency and lymphoreticular malignancies; Nonsyndromal microcephaly autosomal recessive with normal intelligence; Seemanova syndrome 2; BERLIN BREAKAGE SYNDROME; Ataxia telangiectasia variant V1. Identifiers: Orphanet 647, MedGen C0398791, MONDO:0009623, OMIM 251260.

Submission:

Natera, Inc.
Classification: Likely pathogenic for Nijmegen breakage syndrome. Last evaluated: 2024-02-22. Review status: criteria provided, single submitter. Criteria: Natera Variant Classification Schema (03/2026). Collection method: clinical testing. Allele origin: germline.
Comment: The c.398T>A variant in NBN is a nonsense variant predicted to introduce a stop codon at amino acid 133. This variant is expected to result in nonsense mediated decay, truncation, or a dysfunctional protein product. This variant is rare in the general population with a frequency below the threshold expected for the associated phenotype(s). Given the available evidence, this variant is classified as Likely Pathogenic.

NM_002485.5(NBN):c.398T>A (p.Leu133Ter)

Gene: NBN (nibrin; minus strand). Cytogenetic location: 8q21.3.
Variant type: single nucleotide variant.
Coding change: c.398T>A on transcript NM_002485.5 (MANE Select); coding-DNA position 398, T replaced by A.
Protein change: p.Leu133Ter; replaces leucine 133 with a stop codon.
Molecular consequence: nonsense.
Genome position (GRCh38, 1-based): chr8:89,980,816, A>T on the plus strand (T>A on the coding strand, the complement: NBN is on the minus strand). VCF-style: chr8-89980816-A-T. GRCh37 (hg19) VCF-style: chr8-90993044-A-T.
Other names: c.152T>A, p.Leu51Ter (NM_001440380.1, NM_001024688.3, NM_001440379.1); short protein forms L133*, L51*.
Identifiers: ClinVar variation 4815067 (VCV004815067.1).